The following is an entry in ClinVar:

NM_004656.4(BAP1):c.464A>G (p.Lys155Arg)

Gene: BAP1 (BRCA1 associated deubiquitinase 1; minus strand). Cytogenetic location: 3p21.1.
Variant type: single nucleotide variant.
Coding change: c.464A>G on transcript NM_004656.4 (MANE Select); coding-DNA position 464, A replaced by G.
Protein change: p.Lys155Arg; replaces lysine 155 with arginine.
Molecular consequence: missense variant.
Genome position (GRCh38, 1-based): chr3:52,407,290, T>C on the plus strand (A>G on the coding strand, the complement: BAP1 is on the minus strand). VCF-style: chr3-52407290-T-C. GRCh37 (hg19) VCF-style: chr3-52441306-T-C.
Other names: short protein forms K155R.
Identifiers: ClinVar variation 825070 (VCV000825070.9), dbSNP rs1578226495, ClinGen allele CA353110264.

ClinVar aggregate classification (germline): Uncertain significance. Review status: criteria provided, multiple submitters, no conflicts (2 of 4 stars). 2 submissions from 2 submitters: Uncertain significance (2). Last evaluated 2020-03-02.

Conditions:
Hereditary cancer-predisposing syndrome. Also called: Neoplastic Syndromes, Hereditary; Tumor predisposition; Hereditary neoplastic syndrome; Hereditary Cancer Syndrome. Identifiers: Orphanet 140162, MedGen C0027672, MeSH D009386, MONDO:0015356.
BAP1-related tumor predisposition syndrome (TPDS1). Also called: TUMOR PREDISPOSITION SYNDROME 1; COMMON Syndrome; Tumor susceptibility linked to germline BAP1 mutations; BAP1 tumor predisposition syndrome. Identifiers: Orphanet 289539, MedGen C3280492, MONDO:0013692, OMIM 614327.

Submissions (2):

Labcorp Genetics (formerly Invitae), Labcorp
Classification: Uncertain significance for BAP1-related tumor predisposition syndrome. Last evaluated: 2020-03-02. Review status: criteria provided, single submitter. Criteria: Invitae Variant Classification Sherloc (09022015). Collection method: clinical testing. Allele origin: germline.
Comment: In summary, the available evidence is currently insufficient to determine the role of this variant in disease. Therefore, it has been classified as a Variant of Uncertain Significance. Algorithms developed to predict the effect of missense changes on protein structure and function are either unavailable or do not agree on the potential impact of this missense change (SIFT: "Tolerated"; PolyPhen-2: "Probably Damaging"; Align-GVGD: "Class C0"). This variant has not been reported in the literature in individuals with BAP1-related conditions. This variant is not present in population databases (ExAC no frequency). This sequence change replaces lysine with arginine at codon 155 of the BAP1 protein (p.Lys155Arg). The lysine residue is highly conserved and there is a small physicochemical difference between lysine and arginine.

Ambry Genetics
Classification: Uncertain significance for Hereditary cancer-predisposing syndrome. Last evaluated: 2019-09-10. Review status: criteria provided, single submitter. Criteria: Ambry Variant Classification Scheme 2023. Collection method: clinical testing. Allele origin: germline.
Comment: The p.K155R variant (also known as c.464A>G), located in coding exon 7 of the BAP1 gene, results from an A to G substitution at nucleotide position 464. The lysine at codon 155 is replaced by arginine, an amino acid with highly similar properties. This amino acid position is highly conserved in available vertebrate species. In addition, this alteration is predicted to be tolerated by in silico analysis. Since supporting evidence is limited at this time, the clinical significance of this alteration remains unclear.